The following is an entry in ClinVar:

ClinVar aggregate classification (germline): Benign. Review status: criteria provided, multiple submitters, no conflicts (2 of 4 stars). 3 submissions from 3 submitters: Benign (3). Last evaluated 2025-10-27.

Allele frequency attached by ClinVar (database versions not stated): ESP Exome Variant Server 0.00039; TOPMed 0.00054; 1000 Genomes Project 30x 0.00078; 1000 Genomes Project 0.00100; gnomAD exomes 0.00115 and 0.00250; gnomAD 0.00135 and 0.00149; ExAC 0.00325.
gnomAD v4.1: 1,952 of 1,612,628 alleles (0.12%); highest among the groups gnomAD compares: East Asian, 0.34%; 17 homozygotes.

Submissions (3):

Labcorp Genetics (formerly Invitae), Labcorp
Classification: Benign. Last evaluated: 2025-10-27. Review status: criteria provided, single submitter. Criteria: Invitae Variant Classification Sherloc (09022015). Collection method: clinical testing. Allele origin: germline.

Mayo Clinic Laboratories, Mayo Clinic
Classification: Benign. Last evaluated: 2025-04-08. Review status: criteria provided, single submitter. Criteria: ACMG Guidelines, 2015. Collection method: clinical testing. Allele origin: germline. Observed: 1 variant allele.
Comment: BS1, BS2, BP4, BP7

Breakthrough Genomics
Classification: Benign. Review status: criteria provided, single submitter. Criteria: ACMG Guidelines, 2015. Collection method: not provided. Allele origin: germline. Inheritance: Autosomal recessive inheritance. Affected: yes.

NM_002972.4(SBF1):c.1203+10C>T

Gene: SBF1 (SET binding factor 1; minus strand). Cytogenetic location: 22q13.33.
Variant type: single nucleotide variant.
Coding change: c.1203+10C>T on transcript NM_002972.4 (MANE Select); 10 bases into the intron after coding-DNA position 1203, C replaced by T.
Molecular consequence: intron variant.
Genome position (GRCh38, 1-based): chr22:50,465,205, G>A on the plus strand (C>T on the coding strand, the complement: SBF1 is on the minus strand). VCF-style: chr22-50465205-G-A. GRCh37 (hg19) VCF-style: chr22-50903634-G-A.
Other names: p.?; c.1206+10C>T (NM_001365819.1).
Identifiers: ClinVar variation 709384 (VCV000709384.11), dbSNP rs181592998, ClinGen allele CA10317791.